The following is an entry in ClinVar:

ClinVar aggregate classification (germline): Conflicting classifications of pathogenicity. Review status: criteria provided, conflicting classifications (1 of 4 stars). 16 submissions from 15 submitters: Uncertain significance (1); Benign (1); Likely benign (11). 3 of the submissions do not count toward it. Last evaluated 2026-07-01.

Conditions:
MYBPC3-related disorder. Also called: MYBPC3-related disorders; MYBPC3-related condition; MYBPC3-related disease.
Cardiovascular phenotype. Identifiers: MedGen CN230736.
Left ventricular noncompaction 10 (LVNC10). Identifiers: Orphanet 154, Orphanet 54260, MedGen C3715165, MONDO:0014163, OMIM 615396.
Cardiomyopathy (CMYO). Also called: Cardiomyopathies. Identifiers: Orphanet 167848, MedGen C0878544, MONDO:0004994, HP:0001638. Inheritance: Various modes of inheritance.
Hypertrophic cardiomyopathy 4. Also called: Familial hypertrophic cardiomyopathy 4. Identifiers: MedGen C1861862, MONDO:0007268, OMIM 115197.
Hypertrophic cardiomyopathy. Also called: HYPERTROPHIC MYOCARDIOPATHY. Identifiers: Orphanet 217569, MedGen C0007194, MeSH D002312, MONDO:0005045, HP:0001639.

Allele frequency attached by ClinVar (database versions not stated): gnomAD 0.00006 and 0.00007; TOPMed 0.00006; ESP Exome Variant Server 0.00008.
gnomAD v4.1: 138 of 1,609,520 alleles (0.0086%); highest among the groups gnomAD compares: Middle Eastern, 0.17%; 2 homozygotes.

Submissions (16):

CeGaT Center for Human Genetics Tuebingen
Classification: Likely benign. Last evaluated: 2026-07-01. Review status: criteria provided, single submitter. Criteria: CeGaT Center For Human Genetics Tuebingen Variant Classification Criteria Version 2. Collection method: clinical testing. Allele origin: germline. Affected: yes. Observed: 3 variant alleles.
Comment: MYBPC3: BP4, BP7

Labcorp Genetics (formerly Invitae), Labcorp
Classification: Likely benign for Hypertrophic cardiomyopathy. Last evaluated: 2026-02-03. Review status: criteria provided, single submitter. Criteria: Invitae Variant Classification Sherloc (09022015). Collection method: clinical testing. Allele origin: germline.

Molecular Diagnostic Laboratory for Inherited Cardiovascular Disease, Montreal Heart Institute
Classification: Likely benign. Last evaluated: 2025-04-08. Review status: criteria provided, single submitter. Criteria: ACMG Guidelines, 2015. Collection method: clinical testing. Allele origin: germline. Affected: no.

Mayo Clinic Laboratories, Mayo Clinic
Classification: Likely benign. Last evaluated: 2025-03-26. Review status: criteria provided, single submitter. Criteria: ACMG Guidelines, 2015. Collection method: clinical testing. Allele origin: germline. Observed: 1 variant allele.
Comment: BP4, BP7

Women's Health and Genetics/Laboratory Corporation of America, LabCorp
Classification: Likely benign. Last evaluated: 2024-12-06. Review status: criteria provided, single submitter. Criteria: LabCorp Variant Classification Summary - May 2015. Collection method: clinical testing. Allele origin: germline.

Blueprint Genetics
Classification: Likely benign. Last evaluated: 2024-01-23. Review status: criteria provided, single submitter. Criteria: ACMG Guidelines, 2015. Collection method: clinical testing. Allele origin: germline.

CHEO Genetics Diagnostic Laboratory, Children's Hospital of Eastern Ontario
Classification: Likely benign for Cardiomyopathy. Last evaluated: 2022-11-24. Review status: criteria provided, single submitter. Criteria: ACMG Guidelines, 2015. Collection method: clinical testing. Allele origin: germline.

Color Diagnostics, LLC DBA Color Health
Classification: Likely benign for Cardiomyopathy. Last evaluated: 2018-11-03. Review status: criteria provided, single submitter. Criteria: ACMG Guidelines, 2015. Collection method: clinical testing. Allele origin: germline.

Illumina Laboratory Services, Illumina
Classification: Uncertain significance for Hypertrophic cardiomyopathy 4. Last evaluated: 2018-01-13. Review status: criteria provided, single submitter. Criteria: ICSL Variant Classification Criteria 13 December 2019. Collection method: clinical testing. Allele origin: germline.

Illumina Laboratory Services, Illumina
Classification: Likely benign for Left ventricular noncompaction 10. Last evaluated: 2018-01-13. Review status: criteria provided, single submitter. Criteria: ICSL Variant Classification Criteria 13 December 2019. Collection method: clinical testing. Allele origin: germline.
Comment: This variant was observed in the ICSL laboratory as part of a predisposition screen in an ostensibly healthy population. It had not been previously curated by ICSL or reported in the Human Gene Mutation Database (HGMD: prior to June 1st, 2018), and was therefore a candidate for classification through an automated scoring system. Utilizing variant allele frequency, disease prevalence and penetrance estimates, and inheritance mode, an automated score was calculated to assess if this variant is too frequent to cause the disease. Based on the score and internal cut-off values, a variant classified as likely benign is not then subjected to further curation. The score for this variant resulted in a classification of likely benign for this disease.

Ambry Genetics
Classification: Likely benign for Cardiovascular phenotype. Last evaluated: 2016-04-01. Review status: criteria provided, single submitter. Criteria: Ambry Variant Classification Scheme 2023. Collection method: clinical testing. Allele origin: germline.

GeneDx
Classification: Benign. Last evaluated: 2015-03-03. Review status: criteria provided, single submitter. Criteria: GeneDx Variant Classification Process June 2021. Collection method: clinical testing. Allele origin: germline. Affected: yes.

Laboratory for Molecular Medicine, Mass General Brigham Personalized Medicine
Classification: Likely benign. Last evaluated: 2008-03-01. Review status: criteria provided, single submitter. Criteria: LMM Criteria. Collection method: clinical testing. Allele origin: germline. Observed: 2 variant alleles.

PreventionGenetics, part of Exact Sciences
Classification: Likely benign for MYBPC3-related condition. Last evaluated: 2019-08-15. Review status: no assertion criteria provided. Collection method: clinical testing. Allele origin: germline. Not counted in ClinVar's aggregate classification.
Comment: This variant is classified as likely benign based on ACMG/AMP sequence variant interpretation guidelines (Richards et al. 2015 PMID: 25741868, with internal and published modifications).

Genome Diagnostics Laboratory, University Medical Center Utrecht
Classification: Likely benign. Review status: no assertion criteria provided. Collection method: clinical testing. Allele origin: germline. Affected: yes. Study: VKGL Data-share Consensus. Not counted in ClinVar's aggregate classification.

Joint Genome Diagnostic Labs from Nijmegen and Maastricht, Radboudumc and MUMC+
Classification: Likely benign. Review status: no assertion criteria provided. Collection method: clinical testing. Allele origin: germline. Affected: yes. Study: VKGL Data-share Consensus. Not counted in ClinVar's aggregate classification.

NM_000256.3(MYBPC3):c.132C>T (p.Arg44=)

Gene: MYBPC3 (myosin binding protein C3; minus strand). Cytogenetic location: 11p11.2.
Variant type: single nucleotide variant.
Coding change: c.132C>T on transcript NM_000256.3 (MANE Select); coding-DNA position 132, C replaced by T.
Protein change: p.Arg44=; no amino-acid change (arginine 44 retained).
Molecular consequence: synonymous variant.
Genome position (GRCh38, 1-based): chr11:47,351,399, G>A on the plus strand (C>T on the coding strand, the complement: MYBPC3 is on the minus strand). VCF-style: chr11-47351399-G-A. GRCh37 (hg19) VCF-style: chr11-47372950-G-A.
Other names: p.Arg44=.
Identifiers: ClinVar variation 42524 (VCV000042524.43), dbSNP rs377579620, ClinGen allele CA010107.
Genomic context (GRCh38, chr11:47,351,399, plus strand): 5'-ATGCCGTGTGCCCTCTGTGGCCAGGCCGTACTTGTTGCTGGCGCTGATGTCACTGCCTCC[G>A]CGCTGCCAGCGCACCTTCACTCCTGCCCGCTCTGTCTCGGCCTCGAACACGGCAGGGCTG-3'
Protein context (NP_000247.2, residues 34-54): ERAGVKVRWQ[Arg44=]GGSDISASNK